The following is an entry in ClinVar:

ClinVar aggregate classification (germline): Uncertain significance. Review status: criteria provided, multiple submitters, no conflicts (2 of 4 stars). 2 submissions from 2 submitters: Uncertain significance (2). Last evaluated 2025-08-26.

Conditions:
Hereditary cancer-predisposing syndrome. Also called: Neoplastic Syndromes, Hereditary; Hereditary Cancer Syndrome; Hereditary neoplastic syndrome; Tumor predisposition. Identifiers: Orphanet 140162, MedGen C0027672, MeSH D009386, MONDO:0015356.

Allele frequency attached by ClinVar (database versions not stated): gnomAD exomes below 0.00001; TOPMed below 0.00001; ExAC 0.00001; gnomAD 0.00001.

Submissions (2):

Labcorp Genetics (formerly Invitae), Labcorp
Classification: Uncertain significance. Last evaluated: 2025-08-26. Review status: criteria provided, single submitter. Criteria: Invitae Variant Classification Sherloc (09022015). Collection method: clinical testing. Allele origin: germline.
Comment: This sequence change replaces leucine, which is neutral and non-polar, with phenylalanine, which is neutral and non-polar, at codon 175 of the NTHL1 protein (p.Leu175Phe). This variant is present in population databases (rs772100661, gnomAD 0.007%). This variant has not been reported in the literature in individuals affected with NTHL1-related conditions. ClinVar contains an entry for this variant (Variation ID: 1059241). An algorithm developed to predict the effect of missense changes on protein structure and function (PolyPhen-2) suggests that this variant is likely to be tolerated. In summary, the available evidence is currently insufficient to determine the role of this variant in disease. Therefore, it has been classified as a Variant of Uncertain Significance.

Ambry Genetics
Classification: Uncertain significance for Hereditary cancer-predisposing syndrome. Last evaluated: 2024-05-19. Review status: criteria provided, single submitter. Criteria: Ambry Variant Classification Scheme 2023. Collection method: clinical testing. Allele origin: germline.
Comment: The p.L175F variant (also known as c.523C>T), located in coding exon 3 of the NTHL1 gene, results from a C to T substitution at nucleotide position 523. The leucine at codon 175 is replaced by phenylalanine, an amino acid with highly similar properties. This amino acid position is well conserved in available vertebrate species. In addition, the in silico prediction for this alteration is inconclusive. Since supporting evidence is limited at this time, the clinical significance of this alteration remains unclear.

NM_002528.7(NTHL1):c.499C>T (p.Leu167Phe)

Gene: NTHL1 (nth like DNA glycosylase 1; minus strand). Cytogenetic location: 16p13.3.
Variant type: single nucleotide variant.
Coding change: c.499C>T on transcript NM_002528.7 (MANE Select); coding-DNA position 499, C replaced by T.
Protein change: p.Leu167Phe; replaces leucine 167 with phenylalanine.
Molecular consequence: missense variant. On other transcripts: intron variant (1).
Genome position (GRCh38, 1-based): chr16:2,044,656, G>A on the plus strand (C>T on the coding strand, the complement: NTHL1 is on the minus strand). VCF-style: chr16-2044656-G-A. GRCh37 (hg19) VCF-style: chr16-2094657-G-A.
Other names: c.169C>T, p.Leu57Phe (NM_001318194.2); c.355-930C>T (NM_001318193.2); short protein forms L167F, L57F.
Identifiers: ClinVar variation 1059241 (VCV001059241.10), dbSNP rs772100661, ClinGen allele CA7828240.